The following is an entry in ClinVar:

ClinVar aggregate classification (germline): Uncertain significance (1 of 4 stars; one submission).

Allele frequency attached by ClinVar (database versions not stated): gnomAD exomes below 0.00001.
gnomAD v4.1: 1 of 1,613,212 alleles (0.000062%); highest among the groups gnomAD compares: South Asian, 0.0011%; no homozygotes.

Submission:

Labcorp Genetics (formerly Invitae), Labcorp
Classification: Uncertain significance. Last evaluated: 2023-08-24. Review status: criteria provided, single submitter. Criteria: Invitae Variant Classification Sherloc (09022015). Collection method: clinical testing. Allele origin: germline.
Comment: In summary, the available evidence is currently insufficient to determine the role of this variant in disease. Therefore, it has been classified as a Variant of Uncertain Significance. This sequence change replaces leucine, which is neutral and non-polar, with phenylalanine, which is neutral and non-polar, at codon 131 of the MYO3A protein (p.Leu131Phe). This variant is not present in population databases (gnomAD no frequency). This variant has not been reported in the literature in individuals affected with MYO3A-related conditions. An algorithm developed to predict the effect of missense changes on protein structure and function (PolyPhen-2) suggests that this variant is likely to be disruptive.

NM_017433.5(MYO3A):c.393A>C (p.Leu131Phe)

Gene: MYO3A (myosin IIIA; plus strand). Cytogenetic location: 10p12.1.
Variant type: single nucleotide variant.
Coding change: c.393A>C on transcript NM_017433.5 (MANE Select); coding-DNA position 393, A replaced by C.
Protein change: p.Leu131Phe; replaces leucine 131 with phenylalanine.
Molecular consequence: missense variant.
Genome position (GRCh38, 1-based): chr10:25,996,579, A>C. VCF-style: chr10-25996579-A-C. GRCh37 (hg19) VCF-style: chr10-26285508-A-C.
Other names: c.393A>C, p.Leu131Phe (NM_001368265.1); short protein forms L131F.
Identifiers: ClinVar variation 2754958 (VCV002754958.3), dbSNP rs1164910062, ClinGen allele CA376332185.
Genomic context (GRCh38, chr10:25,996,579, plus strand): 5'-TGTGAAAGGATTTCTGAAGAGGGGTGAAAGAATGAGTGAGCCTCTAATTGCCTATATTTT[A>C]CATGAAGCACTAATGGTAAGGCAATTTAAATTGTATGTGCATTAATTATGAAGCAGTTCC-3'
Protein context (NP_059129.3, residues 121-141): RMSEPLIAYI[Leu131Phe]HEALMGLQHL